The following continues an entry in ClinVar:

NM_004612.4(TGFBR1):c.934G>A (p.Gly312Ser)

Gene: TGFBR1. ClinVar aggregate classification (germline): Pathogenic/Likely pathogenic. Pathogenic (6); Likely pathogenic (6).

Submissions 9 to 12 of 12:

All of Us Research Program, National Institutes of Health
Classification: Likely pathogenic for Loeys-Dietz syndrome. Last evaluated: 2023-12-18. Review status: criteria provided, single submitter. Criteria: ACMG Guidelines, 2015. Collection method: clinical testing. Allele origin: germline. Inheritance: Autosomal dominant inheritance. Observed: 2 variant alleles, 2 heterozygotes.
Comment: This missense variant replaces glycine with serine at codon 312 of the TGFBR1 protein. Computational prediction suggests that this variant may have deleterious impact on protein structure and function (internally defined REVEL score threshold >= 0.7, PMID: 27666373). To our knowledge, functional studies have not been reported for this variant. This variant has been reported in an individual affected with Marfan syndrome with a family history of thoracic aortic aneurysm and dissection (PMID: 16799921) and in over 15 individuals affected with thoracic aortic aneurysm and dissection, including three related individuals (PMID: 19542084, 27879313, 30739908). This variant has also been identified in four individuals affected with Loeys-Dietz syndrome (PMID: 26877057, 26848186, 31915033, 36237225). This variant has been identified in 1/251070 chromosomes in the general population by the Genome Aggregation Database (gnomAD). Based on the available evidence, this variant is classified as Likely Pathogenic.

This study involves interpretation of variants in research participants for the purpose of population health screening. Participant phenotype was not available at the time of variant classification. Additional details can be found in publication PMID: 35346344, PMCID: PMC8962531

Women's Health and Genetics/Laboratory Corporation of America, LabCorp
Classification: Pathogenic for Familial aortopathy. Last evaluated: 2023-05-08. Review status: criteria provided, single submitter. Criteria: LabCorp Variant Classification Summary - May 2015. Collection method: clinical testing. Allele origin: germline.
Comment: Variant summary: TGFBR1 c.934G>A (p.Gly312Ser) results in a non-conservative amino acid change located in the protein kinase domain (IPR000719) of the encoded protein sequence. Five of five in-silico tools predict a damaging effect of the variant on protein function. The variant allele was found at a frequency of 4e-06 in 251070 control chromosomes (gnomAD). c.934G>A has been reported in the literature in multiple individuals affected with Aortopathy, including patients and families with Loeys-Dietz Syndrome and TAAD, with strong segregation data (e.g. Luo_2016, Singh_2006, Teixido-Tura_2016, Tran-Fadulu_2009). These data indicate that the variant is very likely to be associated with disease. Additionally, the Montalcino Aortic Consortium reports the variant in 14 patients from an international registry, and showed the variant to have significantly poorer survival without aortic event (dissection or surgery) compared to patients with any other TGFRB1 mutations (Jondeau_2016). To our knowledge, no experimental evidence demonstrating an impact on protein function has been reported. The following publications have been ascertained in the context of this evaluation (PMID: 27879313, 26877057, 16799921, 26848186, 19542084, 31915033). Six clinical diagnostic laboratories have submitted clinical-significance assessments for this variant to ClinVar after 2014 and all classified the variant as pathogenic (n=1)/likely pathogenic (n=5). Based on the evidence outlined above, the variant was classified as pathogenic.

CeGaT Center for Human Genetics Tuebingen
Classification: Likely pathogenic. Last evaluated: 2023-04-01. Review status: criteria provided, single submitter. Criteria: CeGaT Center For Human Genetics Tuebingen Variant Classification Criteria Version 2. Collection method: clinical testing. Allele origin: germline. Affected: yes. Observed: 2 variant alleles.
Comment: TGFBR1: PM1, PM2, PP3, PS4:Supporting

Juno Genomics, Hangzhou Juno Genomics, Inc
Classification: Pathogenic for Multiple self-healing squamous epithelioma; Loeys-Dietz syndrome 1. Review status: criteria provided, single submitter. Criteria: ACMG Guidelines, 2015. Collection method: clinical testing. Allele origin: germline.
Comment: Absent from controls (or at extremely low frequency if recessive) in Genome Aggregation Database.;Multiple lines of computational evidence support a deleterious effect on the gene or gene product.;Missense variant in a gene that has a low rate of benign missense variation.;The prevalence of the variant in affected individuals is significantly increased compared to the prevalence in controls.;Patient's phenotype or family history is highly specific for a disease with a single genetic etiology.;Co-segregation with disease in multiple affected family members.

Literature cited by the submitters: PubMed 16799921 (cited by 5 submitters); PubMed 19542084 (cited by 5 submitters); PubMed 26848186 (cited by 5 submitters); PubMed 26877057 (cited by 5 submitters); PubMed 30739908 (cited by 4 submitters); PubMed 10025408 (cited by Ambry Genetics); PubMed 27879313 (cited by 4 submitters); PubMed 35092149 (cited by Ambry Genetics); PubMed 36237225 (cited by 3 submitters); PubMed 31915033 (cited by 3 submitters).